The following is an entry in ClinVar:

NC_000017.10:g.(?_1516489)_(1565447_?)del

Genes: PRPF8 (pre-mRNA processing factor 8; minus strand), RILP (Rab interacting lysosomal protein; minus strand), SCARF1 (scavenger receptor class F member 1; minus strand), SLC43A2 (solute carrier family 43 member 2; minus strand). Cytogenetic location: 17p13.3.
Variant type: Deletion.
Identifiers: ClinVar variation 3243179 (VCV003243179.1).

ClinVar aggregate classification (germline): Pathogenic (1 of 4 stars; one submission).

Submission:

Labcorp Genetics (formerly Invitae), Labcorp
Classification: Pathogenic. Last evaluated: 2023-11-07. Review status: criteria provided, single submitter. Criteria: Invitae Variant Classification Sherloc (09022015). Collection method: clinical testing. Allele origin: unknown.
Comment: This variant is a gross deletion of the genomic region encompassing exon(s) 25-43 of the PRPF8 gene, which includes the termination codon. This deletion extends beyond the assayed region for this gene and therefore may encompass additional genes. While this deletion is not anticipated to lead to nonsense mediated decay, it is expected to alter mRNA translation or result in a truncated protein product. This variant has not been reported in the literature in individuals affected with PRPF8-related conditions. This variant disrupts a region of the PRPF8 protein in which other variant(s) (p.Tyr2334Asn) have been determined to be pathogenic (PMID: 20232351, 21378395, 28515276; Invitae). This suggests that this is a clinically significant region of the protein, and that variants that disrupt it are likely to be disease-causing. For these reasons, this variant has been classified as Pathogenic.

Literature cited by the submitters: PubMed 20232351; PubMed 21378395; PubMed 28515276.